The following is an entry in ClinVar:

NM_001386188.2(CENPI):c.909G>C (p.Lys303Asn)

Gene: CENPI (centromere protein I; plus strand). Cytogenetic location: Xq22.1.
Variant type: single nucleotide variant.
Coding change: c.909G>C on transcript NM_001386188.2 (MANE Select); coding-DNA position 909, G replaced by C.
Protein change: p.Lys303Asn; replaces lysine 303 with asparagine.
Molecular consequence: missense variant.
Genome position (GRCh38, 1-based): chrX:101,127,500, G>C. VCF-style: chrX-101127500-G-C. GRCh37 (hg19) VCF-style: chrX-100382489-G-C.
Other names: c.909G>C, p.Lys303Asn (NM_001318521.2, NM_001318523.1, NM_006733.3); short protein forms K303N.
Identifiers: ClinVar variation 4868722 (VCV004868722.1).

ClinVar aggregate classification (germline): Uncertain significance (1 of 4 stars; one submission).

gnomAD v4.1: 29 of 1,166,401 alleles (0.0025%); highest among the groups gnomAD compares: Non-Finnish European, 0.0032%; no homozygotes.

Submission:

Ambry Genetics
Classification: Uncertain significance. Last evaluated: 2026-04-15. Review status: criteria provided, single submitter. Criteria: Ambry Variant Classification Scheme 2023. Collection method: clinical testing. Allele origin: germline.
Comment: The c.909G>C (p.K303N) alteration is located in exon 10 (coding exon 9) of the CENPI gene. This alteration results from a G to C substitution at nucleotide position 909, causing the lysine (K) at amino acid position 303 to be replaced by an asparagine (N). Based on data from gnomAD, the C allele has an overall frequency of 0.001% (1/148125) total alleles studied. The highest observed frequency was 0.001% (1/70185) of European (non-Finnish) alleles. Based on insufficient or conflicting evidence, the clinical significance of this alteration remains unclear.